The following is an entry in ClinVar:

ClinVar aggregate classification (germline): Pathogenic. Review status: criteria provided, multiple submitters, no conflicts (2 of 4 stars). 2 submissions from 2 submitters: Pathogenic (2). Last evaluated 2025-09-19.

Conditions:
Hereditary cancer-predisposing syndrome. Also called: Neoplastic Syndromes, Hereditary; Tumor predisposition; Hereditary neoplastic syndrome; Hereditary Cancer Syndrome. Identifiers: Orphanet 140162, MedGen C0027672, MeSH D009386, MONDO:0015356.
Hereditary diffuse gastric adenocarcinoma (HDGC). Also called: DIFFUSE GASTRIC AND LOBULAR BREAST CANCER SYNDROME. Identifiers: Orphanet 26106, MedGen C1708349, MONDO:0007648, OMIM 137215.

Allele frequency attached by ClinVar (database versions not stated): gnomAD exomes below 0.00001.

Submissions (2):

Myriad Genetics, Inc.
Classification: Pathogenic for Hereditary diffuse gastric adenocarcinoma. Last evaluated: 2025-09-19. Review status: criteria provided, single submitter. Criteria: Myriad Autosomal Dominant, Autosomal Recessive and X-Linked Classification Criteria (2023). Collection method: clinical testing. Allele origin: unknown.
Comment: This variant is considered pathogenic. This variant creates a frameshift predicted to result in premature protein truncation.

Ambry Genetics
Classification: Pathogenic for Hereditary cancer-predisposing syndrome. Last evaluated: 2025-07-15. Review status: criteria provided, single submitter. Criteria: Ambry Variant Classification Scheme 2023. Collection method: clinical testing. Allele origin: germline.
Comment: The c.95_96delTT pathogenic mutation, located in coding exon 1 of the CTNNA1 gene, results from a deletion of two nucleotides at nucleotide positions 95 to 96, causing a translational frameshift with a predicted alternate stop codon. This variant is considered to be rare based on population cohorts in the Genome Aggregation Database (gnomAD). This alteration is expected to result in loss of function by premature protein truncation or nonsense-mediated mRNA decay. As such, this alteration is interpreted as a disease-causing mutation.

NM_001903.5(CTNNA1):c.95_96del (p.Leu32fs)

Gene: CTNNA1 (catenin alpha 1; plus strand). Cytogenetic location: 5q31.2.
Variant type: Deletion.
Coding change: c.95_96del on transcript NM_001903.5 (MANE Select); coding-DNA positions 95 to 96, 2 bases deleted (TT; older notation c.95_96delTT).
Protein change: p.Leu32fs; shifts the reading frame from leucine 32.
Molecular consequence: frameshift variant. On other transcripts: 5 prime UTR variant (2).
Genome position (GRCh38, 1-based): chr5:138,782,019-138,782,020, TT deleted. VCF-style (leftmost placement, unchanged base first): chr5-138782018-CTT-C. GRCh37 (hg19) VCF-style: chr5-138117707-CTT-C.
Other names: c.95_96del, p.Leu32fs (NM_001323984.2, NM_001323985.2, NM_001323986.2 and 3 more transcripts); c.-19_-18del (NM_001290309.3); c.-112_-111del (NM_001290310.3); short protein forms L32fs.
Identifiers: ClinVar variation 1767187 (VCV001767187.4), dbSNP rs2532171023, ClinGen allele CA2580072833.